The following is an entry in ClinVar:

ClinVar aggregate classification (germline): Uncertain significance. Review status: criteria provided, multiple submitters, no conflicts (2 of 4 stars). 2 submissions from 2 submitters: Uncertain significance (2). Last evaluated 2024-03-04.

Conditions:
Colorectal cancer. Also called: Colorectal cancer, somatic; Malignant Colorectal Neoplasm. Identifiers: MedGen C0346629, MONDO:0005575, OMIM 114500.
Oligodontia-cancer predisposition syndrome. Also called: TOOTH AGENESIS-COLORECTAL CANCER SYNDROME. Identifiers: Orphanet 300576, MedGen C1837750, MONDO:0012075, OMIM 608615. Disease mechanism: loss of function.

Submissions (2):

Baylor Genetics
Classification: Uncertain significance for Colorectal cancer. Last evaluated: 2024-03-04. Review status: criteria provided, single submitter. Criteria: ACMG Guidelines, 2015. Collection method: clinical testing. Allele origin: unknown.

Labcorp Genetics (formerly Invitae), Labcorp
Classification: Uncertain significance for Oligodontia-cancer predisposition syndrome. Last evaluated: 2021-10-28. Review status: criteria provided, single submitter. Criteria: Invitae Variant Classification Sherloc (09022015). Collection method: clinical testing. Allele origin: germline.
Comment: In summary, the available evidence is currently insufficient to determine the role of this variant in disease. Therefore, it has been classified as a Variant of Uncertain Significance. Algorithms developed to predict the effect of missense changes on protein structure and function (SIFT, PolyPhen-2, Align-GVGD) all suggest that this variant is likely to be tolerated. This variant has not been reported in the literature in individuals affected with AXIN2-related conditions. This variant is not present in population databases (gnomAD no frequency). This sequence change replaces glycine, which is neutral and non-polar, with alanine, which is neutral and non-polar, at codon 504 of the AXIN2 protein (p.Gly504Ala).

NM_004655.4(AXIN2):c.1511G>C (p.Gly504Ala)

Gene: AXIN2 (axin 2; minus strand). Cytogenetic location: 17q24.1.
Variant type: single nucleotide variant.
Coding change: c.1511G>C on transcript NM_004655.4 (MANE Select); coding-DNA position 1511, G replaced by C.
Protein change: p.Gly504Ala; replaces glycine 504 with alanine.
Molecular consequence: missense variant.
Genome position (GRCh38, 1-based): chr17:65,537,525, C>G on the plus strand (G>C on the coding strand, the complement: AXIN2 is on the minus strand). VCF-style: chr17-65537525-C-G. GRCh37 (hg19) VCF-style: chr17-63533643-C-G.
Other names: c.1511G>C, p.Gly504Ala (NM_001363813.1); short protein forms G504A.
Identifiers: ClinVar variation 1347965 (VCV001347965.7), dbSNP rs754079144, ClinGen allele CA400677366.